The following is an entry in ClinVar:

ClinVar aggregate classification (germline): Uncertain significance (1 of 4 stars; one submission).

gnomAD v4.1: 3 of 1,210,299 alleles (0.00025%); highest among the groups gnomAD compares: African/African-American, 0.0052%; no homozygotes.

Submission:

GeneDx
Classification: Uncertain significance. Last evaluated: 2024-08-24. Review status: criteria provided, single submitter. Criteria: GeneDx Variant Classification Process June 2021. Collection method: clinical testing. Allele origin: germline. Affected: yes.
Comment: In silico analysis indicates that this missense variant does not alter protein structure/function; Has not been previously published as pathogenic or benign to our knowledge

NM_000132.4(F8):c.4448C>A (p.Thr1483Lys)

Gene: F8 (coagulation factor VIII; minus strand). Cytogenetic location: Xq28.
Variant type: single nucleotide variant.
Coding change: c.4448C>A on transcript NM_000132.4 (MANE Select); coding-DNA position 4448, C replaced by A.
Protein change: p.Thr1483Lys; replaces threonine 1483 with lysine.
Molecular consequence: missense variant.
Genome position (GRCh38, 1-based): chrX:154,929,342, G>T on the plus strand (C>A on the coding strand, the complement: F8 is on the minus strand). VCF-style: chrX-154929342-G-T. GRCh37 (hg19) VCF-style: chrX-154157617-G-T.
Other names: short protein forms T1483K.
Identifiers: ClinVar variation 3767701 (VCV003767701.1).
Genomic context (GRCh38, chrX:154,929,342, plus strand): 5'-TCTGGTTTCGGGAGAACAGTGTTCTCAACTTTCTTGTATGTGACTGAATTTGTGGCACTT[G>T]TCCCCAGGGAGCCAACCTCTCTTTGATCACCAGTCATCTCCAAGGTTAGAATGGCTAAAG-3'
Protein context (NP_000123.1, residues 1473-1493): GDQREVGSLG[Thr1483Lys]SATNSVTYKK